The following is an entry in ClinVar:

NM_001130009.3(GEN1):c.604G>A (p.Ala202Thr)

Gene: GEN1 (GEN1 Holliday junction 5' flap endonuclease; plus strand). Cytogenetic location: 2p24.2.
Variant type: single nucleotide variant.
Coding change: c.604G>A on transcript NM_001130009.3 (MANE Select); coding-DNA position 604, G replaced by A.
Protein change: p.Ala202Thr; replaces alanine 202 with threonine.
Molecular consequence: missense variant.
Genome position (GRCh38, 1-based): chr2:17,766,657, G>A. VCF-style: chr2-17766657-G-A. GRCh37 (hg19) VCF-style: chr2-17947924-G-A.
Other names: c.604G>A, p.Ala202Thr (NM_182625.5); short protein forms A202T.
Identifiers: ClinVar variation 4029256 (VCV004029256.1).
Genomic context (GRCh38, chr2:17,766,657, plus strand): 5'-TACACAATGTCATCTATCAAGAGTAAACTAGGTTTGGATAGAGATGCTCTGGTTGGATTA[G>A]CAATACTTCTTGGCTGTGATTATCTCCCAAAGGTAAGCTGAAATTGTCATATTTATTTGC-3'
Protein context (NP_001123481.3, residues 192-212): GLDRDALVGL[Ala202Thr]ILLGCDYLPK

ClinVar aggregate classification (germline): Uncertain significance (1 of 4 stars; one submission).

Submission:

Ambry Genetics
Classification: Uncertain significance. Last evaluated: 2025-04-22. Review status: criteria provided, single submitter. Criteria: Ambry Variant Classification Scheme 2023. Collection method: clinical testing. Allele origin: germline.
Comment: The p.A202T variant (also known as c.604G>A), located in coding exon 4 of the GEN1 gene, results from a G to A substitution at nucleotide position 604. The alanine at codon 202 is replaced by threonine, an amino acid with similar properties. This amino acid position is conserved. In addition, this alteration is predicted to be deleterious by in silico analysis. Based on the available evidence, the clinical significance of this variant remains unclear.